The following is an entry in ClinVar:

ClinVar aggregate classification (germline): Uncertain significance. Review status: criteria provided, multiple submitters, no conflicts (2 of 4 stars). 2 submissions from 2 submitters: Uncertain significance (2). Last evaluated 2022-11-03.

Allele frequency attached by ClinVar (database versions not stated): ExAC 0.00001; TOPMed 0.00002; gnomAD 0.00003.
gnomAD v4.1: 10 of 1,611,700 alleles (0.00062%); highest among the groups gnomAD compares: Admixed American, 0.005%; no homozygotes.

Submissions (2):

Labcorp Genetics (formerly Invitae), Labcorp
Classification: Uncertain significance. Last evaluated: 2022-11-03. Review status: criteria provided, single submitter. Criteria: Invitae Variant Classification Sherloc (09022015). Collection method: clinical testing. Allele origin: germline.
Comment: Algorithms developed to predict the effect of missense changes on protein structure and function are either unavailable or do not agree on the potential impact of this missense change (SIFT: "Deleterious"; PolyPhen-2: "Benign"; Align-GVGD: "Class C0"). This variant has not been reported in the literature in individuals affected with IGSF10-related conditions. This variant is present in population databases (rs781520303, gnomAD 0.01%). This sequence change replaces phenylalanine, which is neutral and non-polar, with serine, which is neutral and polar, at codon 737 of the IGSF10 protein (p.Phe737Ser). In summary, the available evidence is currently insufficient to determine the role of this variant in disease. Therefore, it has been classified as a Variant of Uncertain Significance.

Ambry Genetics
Classification: Uncertain significance. Last evaluated: 2021-06-18. Review status: criteria provided, single submitter. Criteria: Ambry Variant Classification Scheme 2023. Collection method: clinical testing. Allele origin: germline.

NM_178822.5(IGSF10):c.2210T>C (p.Phe737Ser)

Gene: IGSF10 (immunoglobulin superfamily member 10; minus strand). Cytogenetic location: 3q25.1.
Variant type: single nucleotide variant.
Coding change: c.2210T>C on transcript NM_178822.5 (MANE Select); coding-DNA position 2210, T replaced by C.
Protein change: p.Phe737Ser; replaces phenylalanine 737 with serine.
Molecular consequence: missense variant.
Genome position (GRCh38, 1-based): chr3:151,447,771, A>G on the plus strand (T>C on the coding strand, the complement: IGSF10 is on the minus strand). VCF-style: chr3-151447771-A-G. GRCh37 (hg19) VCF-style: chr3-151165559-A-G.
Other names: c.2210T>C, p.Phe737Ser (NM_001385060.1, NM_001385061.1, NM_001385062.1 and 1 more transcripts); short protein forms F737S.
Identifiers: ClinVar variation 2221606 (VCV002221606.5), dbSNP rs781520303, ClinGen allele CA2670386.
Genomic context (GRCh38, chr3:151,447,771, plus strand): 5'-GCCCAATGTTGTGGGTCAATTCTCCTAGCAGAGGGAGGGAAATGCCTCCTATTCTCCCTA[A>G]AACGTCGATGTGTTGAATCTCCACGTCGCTGGAGTGTTAATTCCCGATAGTTGTGCCTCT-3'
Protein context (NP_849144.2, residues 727-747): QRRGDSTHRR[Phe737Ser]RENRRHFPPS